The following is an entry in ClinVar:

ClinVar aggregate classification (germline): Uncertain significance (1 of 4 stars; one submission).

Conditions:
Charcot-Marie-Tooth disease axonal type 2V. Also called: CHARCOT-MARIE-TOOTH NEUROPATHY, TYPE 2V; CHARCOT-MARIE-TOOTH DISEASE, AXONAL, AUTOSOMAL DOMINANT, TYPE 2V. Identifiers: Orphanet 447964, MedGen C5569050, MONDO:0014665, OMIM 616491.
Mucopolysaccharidosis, MPS-III-B (MPS3B). Also called: N-ACETYL-ALPHA-D-GLUCOSAMINIDASE DEFICIENCY; NAGLU DEFICIENCY; SANFILIPPO SYNDROME B; MPS III B; MUCOPOLYSACCHARIDOSIS, TYPE IIIB; MPS IIIB (Sanfilippo Syndrome Type B). Identifiers: Orphanet 79270, MedGen C0086648, MONDO:0009656, OMIM 252920.

Submission:

Labcorp Genetics (formerly Invitae), Labcorp
Classification: Uncertain significance for Charcot-Marie-Tooth disease axonal type 2V; Mucopolysaccharidosis, MPS-III-B. Last evaluated: 2022-02-06. Review status: criteria provided, single submitter. Criteria: Invitae Variant Classification Sherloc (09022015). Collection method: clinical testing. Allele origin: germline.
Comment: This variant has not been reported in the literature in individuals affected with NAGLU-related conditions. This variant is not present in population databases (gnomAD no frequency). This sequence change replaces arginine, which is basic and polar, with lysine, which is basic and polar, at codon 519 of the NAGLU protein (p.Arg519Lys). Advanced modeling of protein sequence and biophysical properties (such as structural, functional, and spatial information, amino acid conservation, physicochemical variation, residue mobility, and thermodynamic stability) performed at Invitae indicates that this missense variant is not expected to disrupt NAGLU protein function. In summary, the available evidence is currently insufficient to determine the role of this variant in disease. Therefore, it has been classified as a Variant of Uncertain Significance.

NM_000263.4(NAGLU):c.1556G>A (p.Arg519Lys)

Gene: NAGLU (N-acetyl-alpha-glucosaminidase; plus strand). Cytogenetic location: 17q21.2.
Variant type: single nucleotide variant.
Coding change: c.1556G>A on transcript NM_000263.4 (MANE Select); coding-DNA position 1556, G replaced by A.
Protein change: p.Arg519Lys; replaces arginine 519 with lysine.
Molecular consequence: missense variant.
Genome position (GRCh38, 1-based): chr17:42,543,562, G>A. VCF-style: chr17-42543562-G-A. GRCh37 (hg19) VCF-style: chr17-40695580-G-A.
Other names: short protein forms R519K.
Identifiers: ClinVar variation 2093869 (VCV002093869.4), dbSNP rs1218110405, ClinGen allele CA399604165.